The following is an entry in ClinVar:

ClinVar aggregate classification (germline): Conflicting classifications of pathogenicity. Review status: criteria provided, conflicting classifications (1 of 4 stars). 7 submissions from 7 submitters: Uncertain significance (6); Likely benign (1). Last evaluated 2026-02-03.

Conditions:
Arrhythmogenic right ventricular dysplasia 8 (ARVD8). Also called: Arrhythmogenic Right Ventricular Dysplasia/Cardiomyopathy 8; ARRHYTHMOGENIC RIGHT VENTRICULAR DYSPLASIA, FAMILIAL, 8; ARRHYTHMOGENIC RIGHT VENTRICULAR CARDIOMYOPATHY 8. Identifiers: MedGen C1843896, MONDO:0011831, OMIM 607450.
Arrhythmogenic cardiomyopathy with wooly hair and keratoderma. Also called: Arrhythmogenic cardiomyopathy with woolly hair and keratoderma; PALMOPLANTAR KERATODERMA WITH LEFT VENTRICULAR CARDIOMYOPATHY AND WOOLLY HAIR; Carvajal syndrome; Dilated cardiomyopathy with woolly hair and keratoderma. Identifiers: Orphanet 65282, MedGen C1854063, MONDO:0011581, OMIM 605676.
Cardiomyopathy (CMYO). Also called: Cardiomyopathies. Identifiers: Orphanet 167848, MedGen C0878544, MONDO:0004994, HP:0001638. Inheritance: Various modes of inheritance.
Cardiovascular phenotype. Identifiers: MedGen CN230736.
Long QT syndrome (LQTS). Identifiers: MedGen C0023976, MeSH D008133, MONDO:0002442. Disease mechanism: loss of function. Inheritance: Various modes of inheritance.

Allele frequency attached by ClinVar (database versions not stated): ExAC 0.00001; gnomAD 0.00001; gnomAD exomes 0.00001; TOPMed 0.00004.
gnomAD v4.1: 16 of 1,614,010 alleles (0.00099%); highest among the groups gnomAD compares: African/African-American, 0.0013%; no homozygotes.

Submissions (7):

Labcorp Genetics (formerly Invitae), Labcorp
Classification: Likely benign for Arrhythmogenic cardiomyopathy with wooly hair and keratoderma; Arrhythmogenic right ventricular dysplasia 8. Last evaluated: 2026-02-03. Review status: criteria provided, single submitter. Criteria: Invitae Variant Classification Sherloc (09022015). Collection method: clinical testing. Allele origin: germline.

Ambry Genetics
Classification: Uncertain significance for Cardiovascular phenotype. Last evaluated: 2025-11-12. Review status: criteria provided, single submitter. Criteria: Ambry Variant Classification Scheme 2023. Collection method: clinical testing. Allele origin: germline.

Clinical Genomics Laboratory, Washington University in St. Louis
Classification: Uncertain significance for Arrhythmogenic cardiomyopathy with wooly hair and keratoderma; Arrhythmogenic right ventricular dysplasia 8. Last evaluated: 2024-12-10. Review status: criteria provided, single submitter. Criteria: ACMG Guidelines, 2015. Collection method: clinical testing. Allele origin: germline.
Comment: The DSP c.4735C>T (p.Arg1579Trp) variant, to our knowledge, has not been reported in the medical literature. This variant is only observed on 2/250,568 alleles in the general population (gnomAD v.2.1.1), indicating it is not a common variant. Computational predictors suggest that the variant does not impact DSP function. This variant has been reported in the ClinVar database as a germline variant of uncertain significance by five submitters and likely benign by one submitter. Due to limited information, and based on ACMG/AMP guidelines for variant interpretation (Richards S et al., PMID: 25741868), the clinical significance of this variant is uncertain at this time.

All of Us Research Program, National Institutes of Health
Classification: Uncertain significance for Arrhythmogenic cardiomyopathy with wooly hair and keratoderma. Last evaluated: 2024-06-11. Review status: criteria provided, single submitter. Criteria: ACMG Guidelines, 2015. Collection method: clinical testing. Allele origin: germline. Inheritance: Autosomal dominant inheritance. Observed: 7 variant alleles, 7 heterozygotes.
Comment: This missense variant replaces arginine with tryptophan at codon 1579 of the DSP protein. Computational prediction suggests that this variant may not impact protein structure and function (internally defined REVEL score threshold <= 0.5, PMID: 27666373). To our knowledge, functional studies have not been reported for this variant. This variant has not been reported in individuals affected with cardiovascular disorders in the literature. This variant has been identified in 2/250568 chromosomes in the general population by the Genome Aggregation Database (gnomAD). The available evidence is insufficient to determine the role of this variant in disease conclusively. Therefore, this variant is classified as a Variant of Uncertain Significance.

This study involves interpretation of variants in research participants for the purpose of population health screening. Participant phenotype was not available at the time of variant classification. Additional details can be found in publication PMID: 35346344, PMCID: PMC8962531

Color Diagnostics, LLC DBA Color Health
Classification: Uncertain significance for Cardiomyopathy. Last evaluated: 2024-03-06. Review status: criteria provided, single submitter. Criteria: ACMG Guidelines, 2015. Collection method: clinical testing. Allele origin: germline.
Comment: This missense variant replaces arginine with tryptophan at codon 1579 of the DSP protein. Computational prediction suggests that this variant may not impact protein structure and function (internally defined REVEL score threshold <= 0.5, PMID: 27666373). To our knowledge, functional studies have not been reported for this variant. This variant has not been reported in individuals affected with cardiovascular disorders in the literature. This variant has been identified in 2/250568 chromosomes in the general population by the Genome Aggregation Database (gnomAD). The available evidence is insufficient to determine the role of this variant in disease conclusively. Therefore, this variant is classified as a Variant of Uncertain Significance.

Dept of Medical Biology, Uskudar University
Classification: Uncertain significance for Long QT syndrome. Last evaluated: 2024-01-08. Review status: criteria provided, single submitter. Criteria: Dept of Medical Biology Variant Classification. Collection method: research. Allele origin: paternal. Affected: yes. Observed: 1 variant allele.
Comment: Criteria: PM2

GeneDx
Classification: Uncertain significance. Last evaluated: 2023-03-01. Review status: criteria provided, single submitter. Criteria: GeneDx Variant Classification Process June 2021. Collection method: clinical testing. Allele origin: germline. Affected: yes.
Comment: Not observed at significant frequency in large population cohorts (gnomAD); In silico analysis supports that this missense variant has a deleterious effect on protein structure/function; Has not been previously published as pathogenic or benign to our knowledge

NM_004415.4(DSP):c.4735C>T (p.Arg1579Trp)

Gene: DSP (desmoplakin; plus strand). Cytogenetic location: 6p24.3.
Variant type: single nucleotide variant.
Coding change: c.4735C>T on transcript NM_004415.4 (MANE Select); coding-DNA position 4735, C replaced by T.
Protein change: p.Arg1579Trp; replaces arginine 1579 with tryptophan.
Molecular consequence: missense variant. On other transcripts: intron variant (2).
Genome position (GRCh38, 1-based): chr6:7,580,925, C>T. VCF-style: chr6-7580925-C-T. GRCh37 (hg19) VCF-style: chr6-7581158-C-T.
Other names: c.4050+685C>T (NM_001319034.2); c.3582+1153C>T (NM_001008844.3); short protein forms R1579W.
Identifiers: ClinVar variation 840126 (VCV000840126.25), dbSNP rs755868373, ClinGen allele CA042618.